The following is an entry in ClinVar:

NM_005560.6(LAMA5):c.7572C>G (p.Ala2524=)

Gene: LAMA5 (laminin subunit alpha 5; minus strand). Cytogenetic location: 20q13.33.
Variant type: single nucleotide variant.
Coding change: c.7572C>G on transcript NM_005560.6 (MANE Select); coding-DNA position 7572, C replaced by G.
Protein change: p.Ala2524=; no amino-acid change (alanine 2524 retained).
Molecular consequence: synonymous variant.
Genome position (GRCh38, 1-based): chr20:62,316,963, G>C on the plus strand (C>G on the coding strand, the complement: LAMA5 is on the minus strand). VCF-style: chr20-62316963-G-C. GRCh37 (hg19) VCF-style: chr20-60892019-G-C.
Identifiers: ClinVar variation 1981234 (VCV001981234.10), dbSNP rs201317275, ClinGen allele CA9941160.
Genomic context (GRCh38, chr20:62,316,963, plus strand): 5'-CTGCAGGGCCTGGCCAGCAGCATCCTCGGCAGCCTGCACGGCCTGCAGGATGCGGCTGTA[G>C]GCGTTGGAGGCCTCGATGGCCCTCTGGGTGAGGCGGTCCTGGTTGACGTCCAGGATGATG-3'
Protein context (NP_005551.3, residues 2514-2534): LTQRAIEASN[Ala2524=]YSRILQAVQA

ClinVar aggregate classification (germline): Likely benign. Review status: criteria provided, multiple submitters, no conflicts (2 of 4 stars). 2 submissions from 2 submitters: Likely benign (2). Last evaluated 2025-10-01.

Allele frequency attached by ClinVar (database versions not stated): gnomAD 0.00002; TOPMed 0.00008; ExAC 0.00010; 1000 Genomes Project 30x 0.00016; 1000 Genomes Project 0.00020.
gnomAD v4.1: 26 of 1,567,834 alleles (0.0017%); highest among the groups gnomAD compares: East Asian, 0.059%; no homozygotes.

Submissions (2):

CeGaT Center for Human Genetics Tuebingen
Classification: Likely benign. Last evaluated: 2025-10-01. Review status: criteria provided, single submitter. Criteria: CeGaT Center For Human Genetics Tuebingen Variant Classification Criteria Version 2. Collection method: clinical testing. Allele origin: germline. Affected: yes. Observed: 1 variant allele.
Comment: LAMA5: BP4, BP7

Labcorp Genetics (formerly Invitae), Labcorp
Classification: Likely benign. Last evaluated: 2022-11-09. Review status: criteria provided, single submitter. Criteria: Invitae Variant Classification Sherloc (09022015). Collection method: clinical testing. Allele origin: germline.